The following is an entry in ClinVar:

NM_001205293.3(CACNA1E):c.2278G>A (p.Glu760Lys)

Gene: CACNA1E (calcium voltage-gated channel subunit alpha1 E; plus strand). Cytogenetic location: 1q25.3.
Variant type: single nucleotide variant.
Coding change: c.2278G>A on transcript NM_001205293.3 (MANE Select); coding-DNA position 2278, G replaced by A.
Protein change: p.Glu760Lys; replaces glutamic acid 760 with lysine.
Molecular consequence: missense variant. On other transcripts: intron variant (1).
Genome position (GRCh38, 1-based): chr1:181,731,212, G>A. VCF-style: chr1-181731212-G-A. GRCh37 (hg19) VCF-style: chr1-181700348-G-A.
Other names: c.2278G>A, p.Glu760Lys (NM_000721.4); c.2241-1172G>A (NM_001205294.2); short protein forms E760K.
Identifiers: ClinVar variation 2584947 (VCV002584947.2), dbSNP rs2528676138, ClinGen allele CA343630166.
Genomic context (GRCh38, chr1:181,731,212, plus strand): 5'-ACCTGTCCATTTTTCTTCCCCAGAAGAGACAGAAGGAGAAGACACCACATGTCGATGTGG[G>A]AGCCACGCAGCAGCCACCTGTATGTGTGTACCAGTTTGCGTGTTTGTGAGTGGTTACGTG-3'
Protein context (NP_001192222.1, residues 750-770): RRRRHHMSMW[Glu760Lys]PRSSHLRERR

ClinVar aggregate classification (germline): Uncertain significance. Review status: criteria provided, multiple submitters, no conflicts (2 of 4 stars). 2 submissions from 2 submitters: Uncertain significance (2). Last evaluated 2025-11-01.

Conditions:
Developmental and epileptic encephalopathy, 69. Also called: EPILEPTIC ENCEPHALOPATHY, EARLY INFANTILE, 69. Identifiers: MedGen C4748988, MONDO:0032657, OMIM 618285.

Submissions (2):

Labcorp Genetics (formerly Invitae), Labcorp
Classification: Uncertain significance. Last evaluated: 2025-11-01. Review status: criteria provided, single submitter. Criteria: Invitae Variant Classification Sherloc (09022015). Collection method: clinical testing. Allele origin: germline.
Comment: This sequence change replaces glutamic acid, which is acidic and polar, with lysine, which is basic and polar, at codon 760 of the CACNA1E protein (p.Glu760Lys). This variant is not present in population databases (gnomAD no frequency). This variant has not been reported in the literature in individuals affected with CACNA1E-related conditions. ClinVar contains an entry for this variant (Variation ID: 2584947). Invitae Evidence Modeling of protein sequence and biophysical properties (such as structural, functional, and spatial information, amino acid conservation, physicochemical variation, residue mobility, and thermodynamic stability) has been performed for this missense variant. However, the output from this modeling did not meet the statistical confidence thresholds required to predict the impact of this variant on CACNA1E protein function. In summary, the available evidence is currently insufficient to determine the role of this variant in disease. Therefore, it has been classified as a Variant of Uncertain Significance.

Neuberg Centre For Genomic Medicine, NCGM
Classification: Uncertain significance for Developmental and epileptic encephalopathy, 69. Review status: criteria provided, single submitter. Criteria: ACMG Guidelines, 2015. Collection method: clinical testing. Allele origin: germline. Inheritance: Autosomal dominant inheritance. Affected: yes.
Comment: The missense variant inc.2278G>A(p.Glu760Lys) in CACNA1E gene has not been reported previously as a pathogenic variant nor as a benign variant, to our knowledge. The p.Glu760Lys variant is novel (not in any individuals) in gnomAD Exomes and 1000 Genomes. The amino acid Glu at position 760 is changed to a Lys changing protein sequence and it might alter its composition and physico-chemical properties. For these reasons, this variant has been classified as Uncertain Significance (VUS).